The following is an entry in ClinVar:

NM_005618.4(DLL1):c.1970C>T (p.Ala657Val)

Genes: DLL1 (delta like canonical Notch ligand 1; minus strand), LOC126859913 (P300/CBP strongly-dependent group 1 enhancer GRCh37_chr6:170591232-170592431; plus strand). Cytogenetic location: 6q27.
Variant type: single nucleotide variant.
Coding change: c.1970C>T on transcript NM_005618.4 (MANE Select); coding-DNA position 1970, C replaced by T.
Protein change: p.Ala657Val; replaces alanine 657 with valine.
Molecular consequence: missense variant.
Genome position (GRCh38, 1-based): chr6:170,283,309, G>A on the plus strand (C>T on the coding strand, the complement: DLL1 is on the minus strand). VCF-style: chr6-170283309-G-A. GRCh37 (hg19) VCF-style: chr6-170592397-G-A.
Other names: short protein forms A657V.
Identifiers: ClinVar variation 2657150 (VCV002657150.26), dbSNP rs780609795, ClinGen allele CA4106666.
Genomic context (GRCh38, chr6:170,283,309, plus strand): 5'-GTCCCCTTCTCCTCCCCTGAGGAGCCCTGGGGCTGGCACTTGGTGTCACGCTTGCTGTGC[G>A]CGTCCCTGACGGCGGTGTCGTCACCCTTGAGGTCCTGCACGAGGTTATAGTCCACCGCTG-3'
Protein context (NP_005609.3, residues 647-667): LKGDDTAVRD[Ala657Val]HSKRDTKCQP

ClinVar aggregate classification (germline): Conflicting classifications of pathogenicity. Review status: criteria provided, conflicting classifications (1 of 4 stars). 2 submissions from 2 submitters: Uncertain significance (1); Likely benign (1). Last evaluated 2024-02-20.

Allele frequency attached by ClinVar (database versions not stated): ExAC 0.00002; gnomAD 0.00003; gnomAD exomes 0.00004; TOPMed 0.00007.
gnomAD v4.1: 62 of 1,613,058 alleles (0.0038%); highest among the groups gnomAD compares: East Asian, 0.047%; no homozygotes.

Submissions (2):

Labcorp Genetics (formerly Invitae), Labcorp
Classification: Uncertain significance. Last evaluated: 2024-02-20. Review status: criteria provided, single submitter. Criteria: Invitae Variant Classification Sherloc (09022015). Collection method: clinical testing. Allele origin: germline.
Comment: This sequence change replaces alanine, which is neutral and non-polar, with valine, which is neutral and non-polar, at codon 657 of the DLL1 protein (p.Ala657Val). The frequency data for this variant in the population databases is considered unreliable, as metrics indicate poor data quality at this position in the gnomAD database. This variant has not been reported in the literature in individuals affected with DLL1-related conditions. ClinVar contains an entry for this variant (Variation ID: 2657150). An algorithm developed to predict the effect of missense changes on protein structure and function (PolyPhen-2) suggests that this variant is likely to be tolerated. In summary, the available evidence is currently insufficient to determine the role of this variant in disease. Therefore, it has been classified as a Variant of Uncertain Significance.

CeGaT Center for Human Genetics Tuebingen
Classification: Likely benign. Last evaluated: 2022-03-01. Review status: criteria provided, single submitter. Criteria: CeGaT Center For Human Genetics Tuebingen Variant Classification Criteria Version 2. Collection method: clinical testing. Allele origin: germline. Affected: yes. Observed: 1 variant allele.
Comment: DLL1: BP4, BS2